The following is an entry in ClinVar:

ClinVar aggregate classification (germline): Uncertain significance (1 of 4 stars; one submission).

Submission:

GeneDx
Classification: Uncertain significance. Last evaluated: 2021-04-06. Review status: criteria provided, single submitter. Criteria: GeneDx Variant Classification Process June 2021. Collection method: clinical testing. Allele origin: germline. Affected: yes.
Comment: In silico analysis supports that this variant does not alter protein structure/function; Has not been previously published as pathogenic or benign to our knowledge

NM_001001331.4(ATP2B2):c.3355_3357delinsACA (p.Ala1119Thr)

Gene: ATP2B2 (ATPase plasma membrane Ca2+ transporting 2; minus strand). Cytogenetic location: 3p25.3.
Variant type: Indel.
Coding change: c.3355_3357delinsACA on transcript NM_001001331.4 (MANE Select); coding-DNA positions 3355 to 3357, GCG replaced by ACA.
Protein change: p.Ala1119Thr; replaces alanine 1119 with threonine.
Molecular consequence: missense variant.
Genome position (GRCh38, 1-based): chr3:10,338,239-10,338,241, CGC replaced by TGT on the plus strand (GCG replaced by ACA on the coding strand, the reverse complement: ATP2B2 is on the minus strand). VCF-style: chr3-10338239-CGC-TGT. GRCh37 (hg19) VCF-style: chr3-10379923-CGC-TGT.
Other names: c.3220_3222delinsACA, p.Ala1074Thr (NM_001330611.3, NM_001353564.1, NM_001363862.1 and 1 more transcripts); short protein forms A1074T, A1119T.
Identifiers: ClinVar variation 1303362 (VCV001303362.2), dbSNP rs2125357954, ClinGen allele CA2573052054.